The following is an entry in ClinVar:

NM_001164508.2(NEB):c.23278A>G (p.Asn7760Asp)

Genes: NEB (nebulin; minus strand), RIF1 (replication timing regulatory factor 1; plus strand). Cytogenetic location: 2q23.3.
Variant type: single nucleotide variant.
Coding change: c.23278A>G on transcript NM_001164508.2 (MANE Select); coding-DNA position 23278, A replaced by G.
Protein change: p.Asn7760Asp; replaces asparagine 7760 with aspartic acid.
Molecular consequence: missense variant.
Genome position (GRCh38, 1-based): chr2:151,512,801, T>C on the plus strand (A>G on the coding strand, the complement: NEB is on the minus strand). VCF-style: chr2-151512801-T-C. GRCh37 (hg19) VCF-style: chr2-152369315-T-C.
Other names: c.23278A>G, p.Asn7760Asp (NM_001164507.2); c.23383A>G, p.Asn7795Asp (NM_001271208.2); c.18175A>G, p.Asn6059Asp (NM_004543.5); short protein forms N6059D, N7795D, N7760D.
Identifiers: ClinVar variation 95118 (VCV000095118.73), dbSNP rs201189784, ClinGen allele CA222740.

ClinVar aggregate classification (germline): Conflicting classifications of pathogenicity. Review status: criteria provided, conflicting classifications (1 of 4 stars). 10 submissions from 10 submitters: Uncertain significance (7); Likely benign (2). 1 of the submissions does not count toward it. Last evaluated 2026-01-28.

Conditions:
Inborn genetic diseases. Identifiers: MedGen C0950123, MeSH D030342.
Nemaline myopathy 2 (NEM2). Also called: Nemaline myopathy 2, autosomal recessive. Identifiers: MedGen C1850569, MONDO:0009725, OMIM 256030.

Allele frequency attached by ClinVar (database versions not stated): 1000 Genomes Project 30x 0.00016; ESP Exome Variant Server 0.00017; gnomAD exomes 0.00021 and 0.00036; TOPMed 0.00018; 1000 Genomes Project 0.00020; gnomAD 0.00022 and 0.00023; ExAC 0.00027.
gnomAD v4.1: 545 of 1,613,760 alleles (0.034%); highest among the groups gnomAD compares: Non-Finnish European, 0.043%; no homozygotes.

Submissions (10):

Labcorp Genetics (formerly Invitae), Labcorp
Classification: Likely benign for Nemaline myopathy 2. Last evaluated: 2026-01-28. Review status: criteria provided, single submitter. Criteria: Invitae Variant Classification Sherloc (09022015). Collection method: clinical testing. Allele origin: germline.

CeGaT Center for Human Genetics Tuebingen
Classification: Uncertain significance. Last evaluated: 2024-05-01. Review status: criteria provided, single submitter. Criteria: CeGaT Center For Human Genetics Tuebingen Variant Classification Criteria Version 2. Collection method: clinical testing. Allele origin: germline. Affected: yes. Observed: 1 variant allele.
Comment: NEB: PM2, BP1

Blueprint Genetics
Classification: Uncertain significance. Last evaluated: 2023-11-30. Review status: criteria provided, single submitter. Criteria: ACMG Guidelines, 2015. Collection method: clinical testing. Allele origin: germline.

Women's Health and Genetics/Laboratory Corporation of America, LabCorp
Classification: Uncertain significance. Last evaluated: 2023-08-23. Review status: criteria provided, single submitter. Criteria: LabCorp Variant Classification Summary - May 2015. Collection method: clinical testing. Allele origin: germline.
Comment: Variant summary: NEB c.23383A>G (p.Asn7795Asp) results in a conservative amino acid change in the encoded protein sequence. Three of five in-silico tools predict a benign effect of the variant on protein function. The variant allele was found at a frequency of 0.00023 in 280218 control chromosomes (gnomAD), predominantly at a frequency of 0.00039 within the Non-Finnish European subpopulation in the gnomAD database. This frequency is not significantly higher than estimated for a pathogenic variant in NEB causing Nemaline Myopathy 2 (0.00023 vs 0.0035), allowing no conclusion about variant significance. To our knowledge, no occurrence of c.23383A>G in individuals affected with Nemaline Myopathy 2 and no experimental evidence demonstrating its impact on protein function have been reported. Five ClinVar submitters have assessed the variant since 2014: four classified the variant as uncertain significance, and one as likely benign. Based on the evidence outlined above, the variant was classified as uncertain significance.

Revvity Omics, Revvity
Classification: Uncertain significance. Last evaluated: 2023-06-13. Review status: criteria provided, single submitter. Criteria: ACMG Guidelines, 2015. Collection method: clinical testing. Allele origin: germline.

Ambry Genetics
Classification: Uncertain significance for Inborn genetic diseases. Last evaluated: 2021-08-02. Review status: criteria provided, single submitter. Criteria: Ambry Variant Classification Scheme 2023. Collection method: clinical testing. Allele origin: germline.

GeneDx
Classification: Uncertain significance. Last evaluated: 2017-07-17. Review status: criteria provided, single submitter. Criteria: GeneDx Variant Classification (06012015). Collection method: clinical testing. Allele origin: germline. Affected: yes.
Comment: The N7795D variant has not been published as a pathogenic variant, nor has it been reported as a benign variant to our knowledge. The N7795D variant is observed in 4/6,396 (0.06%) alleles from individuals of European background (Lek et al., 2016; 1000 Genomes Consortium et al., 2015; Exome Variant Server). This substitution occurs at a position where amino acids with similar properties to Asparagine are tolerated across species. However, this variant is a semi-conservative amino acid substitution, which may impact secondary protein structure as these residues differ in some properties. In silico analysis predicts this variant is probably damaging to the protein structure/function.

Eurofins Ntd Llc (ga)
Classification: Uncertain significance. Last evaluated: 2013-10-03. Review status: criteria provided, single submitter. Criteria: EGL Classification Definitions 2015. Collection method: clinical testing. Allele origin: germline. Observed: 3 variant alleles, 3 heterozygotes.

PreventionGenetics, part of Exact Sciences
Classification: Likely benign. Review status: criteria provided, single submitter. Criteria: ACMG Guidelines, 2015. Collection method: clinical testing. Allele origin: germline.

Natera, Inc.
Classification: Uncertain significance for Nemaline myopathy type 2. Last evaluated: 2020-01-17. Review status: no assertion criteria provided. Collection method: clinical testing. Allele origin: germline. Not counted in ClinVar's aggregate classification.